The following is an entry in ClinVar:

NM_024642.5(GALNT12):c.818A>G (p.Glu273Gly)

Gene: GALNT12 (polypeptide N-acetylgalactosaminyltransferase 12; plus strand). Cytogenetic location: 9q22.33.
Variant type: single nucleotide variant.
Coding change: c.818A>G on transcript NM_024642.5 (MANE Select); coding-DNA position 818, A replaced by G.
Protein change: p.Glu273Gly; replaces glutamic acid 273 with glycine.
Molecular consequence: missense variant.
Genome position (GRCh38, 1-based): chr9:98,831,858, A>G. VCF-style: chr9-98831858-A-G. GRCh37 (hg19) VCF-style: chr9-101594140-A-G.
Other names: short protein forms E273G.
Identifiers: ClinVar variation 4670609 (VCV004670609.1).

ClinVar aggregate classification (germline): Uncertain significance (1 of 4 stars; one submission).

gnomAD v4.1: 1 of 1,614,024 alleles (0.000062%); highest among the groups gnomAD compares: Non-Finnish European, 0.000085%; no homozygotes.

Submission:

Ambry Genetics
Classification: Uncertain significance. Last evaluated: 2025-11-11. Review status: criteria provided, single submitter. Criteria: Ambry Variant Classification Scheme 2023. Collection method: clinical testing. Allele origin: germline.
Comment: The p.E273G variant (also known as c.818A>G), located in coding exon 4 of the GALNT12 gene, results from an A to G substitution at nucleotide position 818. The glutamic acid at codon 273 is replaced by glycine, an amino acid with similar properties. This amino acid position is conserved. In addition, this alteration is predicted to be deleterious by in silico analysis. Based on the available evidence, the clinical significance of this variant remains unclear.